The following is an entry in ClinVar:

ClinVar aggregate classification (germline): Benign/Likely benign. Review status: criteria provided, multiple submitters, no conflicts (2 of 4 stars). 2 submissions from 2 submitters: Benign (1); Likely benign (1). Last evaluated 2024-05-30.

Conditions:
Ataxia-telangiectasia syndrome (AT). Also called: Ataxia telangiectasia (A-T); Cerebello-oculocutaneous telangiectasia; Immunodeficiency with ataxia telangiectasia; LOUIS-BAR SYNDROME; AT, COMPLEMENTATION GROUP C; ATAXIA-TELANGIECTASIA, FRESNO VARIANT. Identifiers: Orphanet 100, MedGen C0004135, MONDO:0008840, OMIM 208900.
Familial cancer of breast. Also called: hereditary breast carcinoma; Hereditary breast cancer; BREAST CANCER, FAMILIAL. Identifiers: Orphanet 227535, MedGen C0346153, MONDO:0016419, OMIM 114480. Disease mechanism: loss of function.

Submissions (2):

Myriad Genetics, Inc.
Classification: Benign for Familial cancer of breast. Last evaluated: 2024-05-30. Review status: criteria provided, single submitter. Criteria: Myriad Autosomal Dominant, Autosomal Recessive and X-Linked Classification Criteria (2023). Collection method: clinical testing. Allele origin: unknown.
Comment: This variant is considered benign. This variant is a silent/synonymous amino acid change and it is not expected to impact splicing.

Labcorp Genetics (formerly Invitae), Labcorp
Classification: Likely benign for Ataxia-telangiectasia syndrome. Last evaluated: 2015-11-30. Review status: criteria provided, single submitter. Criteria: Invitae Variant Classification Sherloc (09022015). Collection method: clinical testing. Allele origin: germline.

NM_000051.4(ATM):c.6009T>C (p.Asp2003=)

Genes: ATM (ATM serine/threonine kinase; plus strand), C11orf65 (chromosome 11 open reading frame 65; minus strand). Cytogenetic location: 11q22.3.
Variant type: single nucleotide variant.
Coding change: c.6009T>C on transcript NM_000051.4 (MANE Select); coding-DNA position 6009, T replaced by C.
Protein change: p.Asp2003=; no amino-acid change (aspartic acid 2003 retained).
Molecular consequence: synonymous variant. On other transcripts: intron variant (2).
Genome position (GRCh38, 1-based): chr11:108,315,825, T>C. VCF-style: chr11-108315825-T-C. GRCh37 (hg19) VCF-style: chr11-108186552-T-C.
Other names: c.6009T>C, p.Asp2003= (NM_001351834.2); c.641-6754A>G (NM_001330368.2); c.*39-6754A>G (NM_001351110.2).
Identifiers: ClinVar variation 236745 (VCV000236745.12), dbSNP rs878853526, ClinGen allele CA10582835.
Genomic context (GRCh38, chr11:108,315,825, plus strand): 5'-TAAATTTATAGACCGATTTTTTTTCCTTCTTCAATTTTTGTTGTTTCCATGTTTTCAGGA[T>C]CTTCTCTTAGAAATCTACAGAAGTATAGGGGAGCCAGATAGTTTGTATGGCTGTGGTGGA-3'
Protein context (NP_000042.3, residues 1993-2013): SKEETGISLQ[Asp2003=]LLLEIYRSIG